The following is an entry in ClinVar:

ClinVar aggregate classification (germline): Conflicting classifications of pathogenicity. Review status: criteria provided, conflicting classifications (1 of 4 stars). 2 submissions from 2 submitters: Uncertain significance (1); Likely benign (1). Last evaluated 2025-11-10.

Conditions:
Inborn genetic diseases. Identifiers: MedGen C0950123, MeSH D030342.

gnomAD v4.1: 77 of 1,613,602 alleles (0.0048%); highest among the groups gnomAD compares: Non-Finnish European, 0.0061%; no homozygotes.

Submissions (2):

Labcorp Genetics (formerly Invitae), Labcorp
Classification: Uncertain significance. Last evaluated: 2025-11-10. Review status: criteria provided, single submitter. Criteria: Invitae Variant Classification Sherloc (09022015). Collection method: clinical testing. Allele origin: germline.
Comment: This sequence change replaces glycine, which is neutral and non-polar, with arginine, which is basic and polar, at codon 1034 of the SIN3A protein (p.Gly1034Arg). This variant is present in population databases (rs761480300, gnomAD 0.004%). This variant has not been reported in the literature in individuals affected with SIN3A-related conditions. ClinVar contains an entry for this variant (Variation ID: 3629016). Invitae Evidence Modeling of protein sequence and biophysical properties (such as structural, functional, and spatial information, amino acid conservation, physicochemical variation, residue mobility, and thermodynamic stability) indicates that this missense variant is not expected to disrupt SIN3A protein function with a negative predictive value of 80%. In summary, the available evidence is currently insufficient to determine the role of this variant in disease. Therefore, it has been classified as a Variant of Uncertain Significance.

Ambry Genetics
Classification: Likely benign for Inborn genetic diseases. Last evaluated: 2025-04-15. Review status: criteria provided, single submitter. Criteria: Ambry Variant Classification Scheme 2023. Collection method: clinical testing. Allele origin: germline.

NM_001145358.2(SIN3A):c.3100G>A (p.Gly1034Arg)

Gene: SIN3A (SIN3 transcription regulator family member A; minus strand). Cytogenetic location: 15q24.2.
Variant type: single nucleotide variant.
Coding change: c.3100G>A on transcript NM_001145358.2 (MANE Select); coding-DNA position 3100, G replaced by A.
Protein change: p.Gly1034Arg; replaces glycine 1034 with arginine.
Molecular consequence: missense variant.
Genome position (GRCh38, 1-based): chr15:75,384,359, C>T on the plus strand (G>A on the coding strand, the complement: SIN3A is on the minus strand). VCF-style: chr15-75384359-C-T. GRCh37 (hg19) VCF-style: chr15-75676700-C-T.
Other names: c.3100G>A (NM_001145358.1); c.3100G>A, p.Gly1034Arg (NM_001145357.2, NM_015477.3); short protein forms G1034R.
Identifiers: ClinVar variation 3629016 (VCV003629016.3).